The following is an entry in ClinVar:

ClinVar aggregate classification (germline): Uncertain significance. Review status: criteria provided, multiple submitters, no conflicts (2 of 4 stars). 3 submissions from 3 submitters: Uncertain significance (2). 1 of the submissions does not count toward it. Last evaluated 2025-08-21.

Conditions:
GNPTG-mucolipidosis. Also called: Mucolipidosis type III gamma; MUCOLIPIDOSIS III, COMPLEMENTATION GROUP C; MUCOLIPIDOSIS III, IRANIAN VARIANT FORM; ML III GAMMA; ML IIIC; MUCOLIPIDOSIS III, VARIANT FORM. Identifiers: Orphanet 423470, Orphanet 577, MedGen C1854896, MONDO:0009652, OMIM 252605.

Allele frequency attached by ClinVar (database versions not stated): gnomAD 0.00003; TOPMed 0.00005; ExAC 0.00011; gnomAD exomes 0.00013.

Submissions (3):

Labcorp Genetics (formerly Invitae), Labcorp
Classification: Uncertain significance. Last evaluated: 2025-08-21. Review status: criteria provided, single submitter. Criteria: Invitae Variant Classification Sherloc (09022015). Collection method: clinical testing. Allele origin: germline.
Comment: This sequence change replaces tryptophan, which is neutral and slightly polar, with cysteine, which is neutral and slightly polar, at codon 122 of the GNPTG protein (p.Trp122Cys). This variant is present in population databases (rs757394606, gnomAD 0.07%). This variant has not been reported in the literature in individuals affected with GNPTG-related conditions. ClinVar contains an entry for this variant (Variation ID: 858463). Invitae Evidence Modeling of protein sequence and biophysical properties (such as structural, functional, and spatial information, amino acid conservation, physicochemical variation, residue mobility, and thermodynamic stability) has been performed for this missense variant. However, the output from this modeling did not meet the statistical confidence thresholds required to predict the impact of this variant on GNPTG protein function. In summary, the available evidence is currently insufficient to determine the role of this variant in disease. Therefore, it has been classified as a Variant of Uncertain Significance.

Blueprint Genetics
Classification: Uncertain significance. Last evaluated: 2021-09-24. Review status: criteria provided, single submitter. Criteria: ACMG Guidelines, 2015. Collection method: clinical testing. Allele origin: germline.

Natera, Inc.
Classification: Uncertain significance for Mucolipidosis III gamma. Last evaluated: 2020-09-16. Review status: no assertion criteria provided. Collection method: clinical testing. Allele origin: germline. Not counted in ClinVar's aggregate classification.

NM_032520.5(GNPTG):c.366G>C (p.Trp122Cys)

Gene: GNPTG (N-acetylglucosamine-1-phosphate transferase subunit gamma; plus strand). Cytogenetic location: 16p13.3.
Variant type: single nucleotide variant.
Coding change: c.366G>C on transcript NM_032520.5 (MANE Select); coding-DNA position 366, G replaced by C.
Protein change: p.Trp122Cys; replaces tryptophan 122 with cysteine.
Molecular consequence: missense variant.
Genome position (GRCh38, 1-based): chr16:1,362,086, G>C. VCF-style: chr16-1362086-G-C. GRCh37 (hg19) VCF-style: chr16-1412087-G-C.
Other names: short protein forms W122C.
Identifiers: ClinVar variation 858463 (VCV000858463.8), dbSNP rs757394606, ClinGen allele CA7807652.